The following is an entry in ClinVar:

ClinVar aggregate classification (germline): Pathogenic (1 of 4 stars; one submission).

Conditions:
Developmental and epileptic encephalopathy, 9 (DEE9). Also called: Early infantile epileptic encephalopathy 9; EPILEPSY, FEMALE-RESTRICTED, WITH MENTAL RETARDATION; JUBERG-HELLMAN SYNDROME; PCDH19-Related X-Linked Female-Limited Epilepsy with Mental Retardation. Identifiers: Orphanet 101039, Orphanet 2076, MedGen C1848137, MONDO:0010246, OMIM 300088. Disease mechanism: loss of function.

Submission:

Labcorp Genetics (formerly Invitae), Labcorp
Classification: Pathogenic for Developmental and epileptic encephalopathy, 9. Last evaluated: 2019-05-18. Review status: criteria provided, single submitter. Criteria: Invitae Variant Classification Sherloc (09022015). Collection method: clinical testing. Allele origin: germline.
Comment: This sequence change creates a premature translational stop signal (p.Gly159Glufs*53) in the PCDH19 gene. It is expected to result in an absent or disrupted protein product. This variant is not present in population databases (ExAC no frequency). This variant has not been reported in the literature in individuals with PCDH19-related conditions. Loss-of-function variants in PCDH19 are known to be pathogenic (PMID: 21053371). For these reasons, this variant has been classified as Pathogenic.

Literature cited by the submitters: PubMed 21053371.

NM_001184880.2(PCDH19):c.476del (p.Gly159fs)

Gene: PCDH19 (protocadherin 19; minus strand). Cytogenetic location: Xq22.1.
Variant type: Deletion.
Coding change: c.476del on transcript NM_001184880.2 (MANE Select); coding-DNA position 476, one base deleted (G; older notation c.476delG).
Protein change: p.Gly159fs; shifts the reading frame from glycine 159.
Molecular consequence: frameshift variant.
Genome position (GRCh38, 1-based): chrX:100,408,122, C deleted on the plus strand (G on the coding strand, the reverse complement: PCDH19 is on the minus strand); the first of 2 consecutive C bases (chrX:100,408,122-100,408,123); deleting either gives the same sequence. VCF-style (leftmost placement, unchanged base first): chrX-100408121-TC-T. GRCh37 (hg19) VCF-style: chrX-99663119-TC-T.
Other names: c.476del, p.Gly159fs (NM_001105243.2, NM_020766.3); short protein forms G159fs.
Identifiers: ClinVar variation 949065 (VCV000949065.8), dbSNP rs1928457396, ClinGen allele CA1139667696.